The following is an entry in ClinVar:

NM_000142.5(FGFR3):c.1936G>T (p.Asp646Tyr)

Gene: FGFR3 (fibroblast growth factor receptor 3; plus strand). Cytogenetic location: 4p16.3.
Variant type: single nucleotide variant.
Coding change: c.1936G>T on transcript NM_000142.5 (MANE Select); coding-DNA position 1936, G replaced by T.
Protein change: p.Asp646Tyr; replaces aspartic acid 646 with tyrosine.
Molecular consequence: missense variant. On other transcripts: non-coding transcript variant (1).
Genome position (GRCh38, 1-based): chr4:1,806,150, G>T. VCF-style: chr4-1806150-G-T. GRCh37 (hg19) VCF-style: chr4-1807877-G-T.
Other names: c.1942G>T, p.Asp648Tyr (NM_001163213.2); c.1939G>T, p.Asp647Tyr (NM_001354809.2, NM_001354810.2); c.1600G>T, p.Asp534Tyr (NM_022965.4); short protein forms D534Y, D646Y, D647Y, D648Y.
Identifiers: ClinVar variation 4857818 (VCV004857818.1).

ClinVar aggregate classification (germline): Uncertain significance (1 of 4 stars; one submission).

Conditions:
FGFR3-related chondrodysplasia. Identifiers: Orphanet 93420, MedGen C5681604, MONDO:0019685.

Submission:

Genomenon, Inc
Classification: Uncertain significance for FGFR3-related chondrodysplasia. Last evaluated: 2026-06-23. Review status: criteria provided, single submitter. Criteria: Genomenon Sequence Variant Interpretation Standards - Updated. Collection method: curation. Allele origin: germline. Affected: no.
Comment: FGFR3 p.Asp646Tyr (c.1936G>T) is a missense variant that changes the amino acid at codon 646 from Aspartic acid to Tyrosine. To our knowledge, this variant has not been reported in patients affected with an FGFR3-related disorder in the published literature. Functional studies have been reported (PMID:26992226). This variant is located in a mutational hotspot and/or important functional domain. It is absent or not present at a significant frequency in gnomAD. In silico models predict that this variant is possibly or probably damaging. In conclusion, we classify FGFR3 p.Asp646Tyr (c.1936G>T) as a variant of uncertain significance.

Literature cited by the submitters: PubMed 26992226.